The following is an entry in ClinVar:

NM_004991.4(MECOM):c.1399G>A (p.Ala467Thr)

Gene: MECOM (MDS1 and EVI1 complex locus; minus strand). Cytogenetic location: 3q26.2.
Variant type: single nucleotide variant.
Coding change: c.1399G>A on transcript NM_004991.4 (MANE Select); coding-DNA position 1399, G replaced by A.
Protein change: p.Ala467Thr; replaces alanine 467 with threonine.
Molecular consequence: missense variant. On other transcripts: intron variant (2).
Genome position (GRCh38, 1-based): chr3:169,116,473, C>T on the plus strand (G>A on the coding strand, the complement: MECOM is on the minus strand). VCF-style: chr3-169116473-C-T. GRCh37 (hg19) VCF-style: chr3-168834261-C-T.
Other names: c.1030G>A, p.Ala344Thr (NM_001105077.4); c.835G>A, p.Ala279Thr (NM_001105078.4, NM_001164000.2, NM_001205194.2 and 4 more transcripts); c.838G>A, p.Ala280Thr (NM_001163999.2, NM_001366467.2, NM_001366468.2 and 1 more transcripts); c.1399G>A, p.Ala467Thr (NM_001366466.2); c.1133-706G>A (NM_001366473.2); c.569-706G>A (NM_001366474.2); short protein forms A280T, A279T, A467T, A344T.
Identifiers: ClinVar variation 3871839 (VCV003871839.1).
Genomic context (GRCh38, chr3:169,116,473, plus strand): 5'-ATCCAGGAGCTGTTGGAAAGGTAAGACCAGCAGGATGCCTATTGGCGCCAAAATAGTCAG[C>T]AAGGCCCGGGTTGGCATGACTCATATTAACCATGGACGTTTTATCCATAGCTGGGGTTCC-3'
Protein context (NP_004982.2, residues 457-477): VNMSHANPGL[Ala467Thr]DYFGANRHPA

ClinVar aggregate classification (germline): Uncertain significance (1 of 4 stars; one submission).

Conditions:
Inborn genetic diseases. Identifiers: MedGen C0950123, MeSH D030342.

gnomAD v4.1: 2 of 1,614,140 alleles (0.00012%); highest among the groups gnomAD compares: East Asian, 0.0045%; no homozygotes.

Submission:

Ambry Genetics
Classification: Uncertain significance for Inborn genetic diseases. Last evaluated: 2025-02-16. Review status: criteria provided, single submitter. Criteria: Ambry Variant Classification Scheme 2023. Collection method: clinical testing. Allele origin: germline.
Comment: The p.A467T variant (also known as c.1399G>A), located in coding exon 8 of the MECOM gene, results from a G to A substitution at nucleotide position 1399. The alanine at codon 467 is replaced by threonine, an amino acid with similar properties. This amino acid position is conserved. In addition, this alteration is predicted to be tolerated by in silico analysis. Based on the available evidence, the clinical significance of this variant remains unclear.